The following is an entry in ClinVar:

ClinVar aggregate classification (germline): Uncertain significance (1 of 4 stars; one submission).

Conditions:
Exostoses, multiple, type 2 (EXT2). Also called: Hereditary Multiple Osteochondromatosis, Type II; EXOSTOSES, MULTIPLE, TYPE II. Identifiers: Orphanet 321, MedGen C1851413, MONDO:0007586, OMIM 133701.

Submission:

Labcorp Genetics (formerly Invitae), Labcorp
Classification: Uncertain significance for Exostoses, multiple, type 2. Last evaluated: 2023-05-01. Review status: criteria provided, single submitter. Criteria: Invitae Variant Classification Sherloc (09022015). Collection method: clinical testing. Allele origin: germline.
Comment: This sequence change replaces serine, which is neutral and polar, with phenylalanine, which is neutral and non-polar, at codon 362 of the EXT2 protein (p.Ser362Phe). This variant is not present in population databases (gnomAD no frequency). This variant has not been reported in the literature in individuals affected with EXT2-related conditions. Advanced modeling of protein sequence and biophysical properties (such as structural, functional, and spatial information, amino acid conservation, physicochemical variation, residue mobility, and thermodynamic stability) performed at Invitae indicates that this missense variant is expected to disrupt EXT2 protein function. In summary, the available evidence is currently insufficient to determine the role of this variant in disease. Therefore, it has been classified as a Variant of Uncertain Significance.

NM_207122.2(EXT2):c.1085C>T (p.Ser362Phe)

Gene: EXT2 (exostosin glycosyltransferase 2; plus strand). Cytogenetic location: 11p11.2.
Variant type: single nucleotide variant.
Coding change: c.1085C>T on transcript NM_207122.2 (MANE Select); coding-DNA position 1085, C replaced by T.
Protein change: p.Ser362Phe; replaces serine 362 with phenylalanine.
Molecular consequence: missense variant.
Genome position (GRCh38, 1-based): chr11:44,130,050, C>T. VCF-style: chr11-44130050-C-T. GRCh37 (hg19) VCF-style: chr11-44151600-C-T.
Other names: c.1085C>T, p.Ser362Phe (NM_001389630.1, NM_001178083.3, NM_001389628.1); c.1184C>T, p.Ser395Phe (NM_000401.3); short protein forms S395F, S362F.
Identifiers: ClinVar variation 2861036 (VCV002861036.3), dbSNP rs2539577219, ClinGen allele CA380170252.